The following is an entry in ClinVar:

NM_000276.4(OCRL):c.2410T>C (p.Cys804Arg)

Gene: OCRL (OCRL inositol polyphosphate-5-phosphatase; plus strand). Cytogenetic location: Xq26.1.
Variant type: single nucleotide variant.
Coding change: c.2410T>C on transcript NM_000276.4 (MANE Select); coding-DNA position 2410, T replaced by C.
Protein change: p.Cys804Arg; replaces cysteine 804 with arginine.
Molecular consequence: missense variant.
Genome position (GRCh38, 1-based): chrX:129,588,954, T>C. VCF-style: chrX-129588954-T-C. GRCh37 (hg19) VCF-style: chrX-128722931-T-C.
Other names: c.2413T>C, p.Cys805Arg (NM_001318784.2); c.2386T>C, p.Cys796Arg (NM_001587.4); short protein forms C796R, C805R, C804R.
Identifiers: ClinVar variation 3656733 (VCV003656733.2).

ClinVar aggregate classification (germline): Uncertain significance (1 of 4 stars; one submission).

Conditions:
Lowe syndrome (OCRL). Also called: LOWE OCULOCEREBRORENAL SYNDROME; PHOSPHATIDYLINOSITOL 4,5-BISPHOSPHATE 5-PHOSPHATASE DEFICIENCY; Oculocerebrorenal Syndrome. Identifiers: Orphanet 534, MedGen C0028860, MONDO:0010645, OMIM 309000.

Submission:

Labcorp Genetics (formerly Invitae), Labcorp
Classification: Uncertain significance for Lowe syndrome. Last evaluated: 2024-06-15. Review status: criteria provided, single submitter. Criteria: Invitae Variant Classification Sherloc (09022015). Collection method: clinical testing. Allele origin: germline.
Comment: This sequence change replaces cysteine, which is neutral and slightly polar, with arginine, which is basic and polar, at codon 804 of the OCRL protein (p.Cys804Arg). This variant is not present in population databases (gnomAD no frequency). This variant has not been reported in the literature in individuals affected with OCRL-related conditions. Advanced modeling of protein sequence and biophysical properties (such as structural, functional, and spatial information, amino acid conservation, physicochemical variation, residue mobility, and thermodynamic stability) has been performed at Invitae for this missense variant, however the output from this modeling did not meet the statistical confidence thresholds required to predict the impact of this variant on OCRL protein function. In summary, the available evidence is currently insufficient to determine the role of this variant in disease. Therefore, it has been classified as a Variant of Uncertain Significance.